The following is an entry in ClinVar:

NM_004036.5(ADCY3):c.2484T>C (p.Asn828=)

Gene: ADCY3 (adenylate cyclase 3; minus strand). Cytogenetic location: 2p23.3.
Variant type: single nucleotide variant.
Coding change: c.2484T>C on transcript NM_004036.5 (MANE Select); coding-DNA position 2484, T replaced by C.
Protein change: p.Asn828=; no amino-acid change (asparagine 828 retained).
Molecular consequence: synonymous variant. On other transcripts: intron variant (1).
Genome position (GRCh38, 1-based): chr2:24,827,557, A>G on the plus strand (T>C on the coding strand, the complement: ADCY3 is on the minus strand). VCF-style: chr2-24827557-A-G. GRCh37 (hg19) VCF-style: chr2-25050426-A-G.
Other names: c.2484T>C, p.Asn828= (NM_001320613.2, NM_001377132.1); c.2550T>C, p.Asn850= (NM_001377128.1); c.2346T>C, p.Asn782= (NM_001377129.1); c.1761T>C, p.Asn587= (NM_001377131.1); c.2173-3021T>C (NM_001377130.1).
Identifiers: ClinVar variation 3054875 (VCV003054875.2), dbSNP rs1037666380, ClinGen allele CA43685140.

ClinVar aggregate classification (germline): Likely benign (0 of 4 stars; one submission).

Conditions:
ADCY3-related disorder. Also called: ADCY3-related condition.

Allele frequency attached by ClinVar (database versions not stated): gnomAD 0.00001; TOPMed 0.00002; gnomAD exomes 0.00003.
gnomAD v4.1: 56 of 1,587,644 alleles (0.0035%); highest among the groups gnomAD compares: Non-Finnish European, 0.0042%; no homozygotes.

Submission:

PreventionGenetics, part of Exact Sciences
Classification: Likely benign for ADCY3-related condition. Last evaluated: 2022-05-18. Review status: no assertion criteria provided. Collection method: clinical testing. Allele origin: germline.
Comment: This variant is classified as likely benign based on ACMG/AMP sequence variant interpretation guidelines (Richards et al. 2015 PMID: 25741868, with internal and published modifications).